The following is an entry in ClinVar:

ClinVar aggregate classification (germline): Uncertain significance (1 of 4 stars; one submission).

Conditions:
Spastic paraplegia. Identifiers: MedGen C0037772, HP:0001258.

Submission:

Labcorp Genetics (formerly Invitae), Labcorp
Classification: Uncertain significance for Spastic paraplegia. Last evaluated: 2023-12-14. Review status: criteria provided, single submitter. Criteria: Invitae Variant Classification Sherloc (09022015). Collection method: clinical testing. Allele origin: germline.
Comment: This sequence change replaces alanine, which is neutral and non-polar, with glutamic acid, which is acidic and polar, at codon 361 of the KIF5A protein (p.Ala361Glu). This variant is not present in population databases (gnomAD no frequency). This variant has not been reported in the literature in individuals affected with KIF5A-related conditions. ClinVar contains an entry for this variant (Variation ID: 2119689). Advanced modeling of protein sequence and biophysical properties (such as structural, functional, and spatial information, amino acid conservation, physicochemical variation, residue mobility, and thermodynamic stability) performed at Invitae indicates that this missense variant is not expected to disrupt KIF5A protein function with a negative predictive value of 95%. In summary, the available evidence is currently insufficient to determine the role of this variant in disease. Therefore, it has been classified as a Variant of Uncertain Significance.

NM_004984.4(KIF5A):c.1082C>A (p.Ala361Glu)

Gene: KIF5A (kinesin family member 5A; plus strand). Cytogenetic location: 12q13.3.
Variant type: single nucleotide variant.
Coding change: c.1082C>A on transcript NM_004984.4 (MANE Select); coding-DNA position 1082, C replaced by A.
Protein change: p.Ala361Glu; replaces alanine 361 with glutamic acid.
Molecular consequence: missense variant.
Genome position (GRCh38, 1-based): chr12:57,569,648, C>A. VCF-style: chr12-57569648-C-A. GRCh37 (hg19) VCF-style: chr12-57963431-C-A.
Other names: c.815C>A, p.Ala272Glu (NM_001354705.2); short protein forms A361E, A272E.
Identifiers: ClinVar variation 2119689 (VCV002119689.4), dbSNP rs121434444, ClinGen allele CA385503023.